The following is an entry in ClinVar:

ClinVar aggregate classification (germline): Uncertain significance. Review status: criteria provided, multiple submitters, no conflicts (2 of 4 stars). 4 submissions from 4 submitters: Uncertain significance (4). Last evaluated 2025-07-16.

Conditions:
Inborn genetic diseases. Identifiers: MedGen C0950123, MeSH D030342.

Allele frequency attached by ClinVar (database versions not stated): gnomAD exomes 0.00002; TOPMed 0.00005; ExAC 0.00006; ESP Exome Variant Server 0.00008; gnomAD 0.00011.
gnomAD v4.1: 43 of 1,574,990 alleles (0.0027%); highest among the groups gnomAD compares: Middle Eastern, 0.05%; 1 homozygote.

Submissions (4):

Ambry Genetics
Classification: Uncertain significance for Inborn genetic diseases. Last evaluated: 2025-07-16. Review status: criteria provided, single submitter. Criteria: Ambry Variant Classification Scheme 2023. Collection method: clinical testing. Allele origin: germline.

Blueprint Genetics
Classification: Uncertain significance. Last evaluated: 2024-11-11. Review status: criteria provided, single submitter. Criteria: ACMG Guidelines, 2015. Collection method: clinical testing. Allele origin: germline.

GeneDx
Classification: Uncertain significance. Last evaluated: 2024-06-24. Review status: criteria provided, single submitter. Criteria: GeneDx Variant Classification Process June 2021. Collection method: clinical testing. Allele origin: germline. Affected: yes.
Comment: In silico analysis indicates that this missense variant does not alter protein structure/function; Has not been previously published as pathogenic or benign to our knowledge

Labcorp Genetics (formerly Invitae), Labcorp
Classification: Uncertain significance. Last evaluated: 2022-11-15. Review status: criteria provided, single submitter. Criteria: Invitae Variant Classification Sherloc (09022015). Collection method: clinical testing. Allele origin: germline.
Comment: In summary, the available evidence is currently insufficient to determine the role of this variant in disease. Therefore, it has been classified as a Variant of Uncertain Significance. Algorithms developed to predict the effect of missense changes on protein structure and function output the following: SIFT: "Tolerated"; PolyPhen-2: "Benign"; Align-GVGD: "Class C0". The methionine amino acid residue is found in multiple mammalian species, which suggests that this missense change does not adversely affect protein function. This variant has not been reported in the literature in individuals affected with OBSL1-related conditions. This variant is present in population databases (rs370888850, gnomAD 0.04%). This sequence change replaces valine, which is neutral and non-polar, with methionine, which is neutral and non-polar, at codon 1549 of the OBSL1 protein (p.Val1549Met).

NM_015311.3(OBSL1):c.4645G>A (p.Val1549Met)

Gene: OBSL1 (obscurin like cytoskeletal adaptor 1; minus strand). Cytogenetic location: 2q35.
Variant type: single nucleotide variant.
Coding change: c.4645G>A on transcript NM_015311.3 (MANE Select); coding-DNA position 4645, G replaced by A.
Protein change: p.Val1549Met; replaces valine 1549 with methionine.
Molecular consequence: missense variant.
Genome position (GRCh38, 1-based): chr2:219,554,705, C>T on the plus strand (G>A on the coding strand, the complement: OBSL1 is on the minus strand). VCF-style: chr2-219554705-C-T. GRCh37 (hg19) VCF-style: chr2-220419427-C-T.
Other names: c.4645G>A (NM_015311.2); short protein forms V1549M.
Identifiers: ClinVar variation 2146921 (VCV002146921.6), dbSNP rs370888850, ClinGen allele CA2130466.